The following is an entry in ClinVar:

NM_006397.3(RNASEH2A):c.528T>A (p.Ser176Arg)

Gene: RNASEH2A (ribonuclease H2 subunit A; plus strand). Cytogenetic location: 19p13.13.
Variant type: single nucleotide variant.
Coding change: c.528T>A on transcript NM_006397.3 (MANE Select); coding-DNA position 528, T replaced by A.
Protein change: p.Ser176Arg; replaces serine 176 with arginine.
Molecular consequence: missense variant.
Genome position (GRCh38, 1-based): chr19:12,810,187, T>A. VCF-style: chr19-12810187-T-A. GRCh37 (hg19) VCF-style: chr19-12921001-T-A.
Other names: short protein forms S176R.
Identifiers: ClinVar variation 1447585 (VCV001447585.6), dbSNP rs1419883149, ClinGen allele CA404267093.

ClinVar aggregate classification (germline): Uncertain significance (1 of 4 stars; one submission).

Conditions:
Aicardi-Goutieres syndrome 4. Identifiers: Orphanet 51, MedGen C1835912, MONDO:0012472, OMIM 610333.

Submission:

Labcorp Genetics (formerly Invitae), Labcorp
Classification: Uncertain significance for Aicardi-Goutieres syndrome 4. Last evaluated: 2022-09-01. Review status: criteria provided, single submitter. Criteria: Invitae Variant Classification Sherloc (09022015). Collection method: clinical testing. Allele origin: germline.
Comment: This sequence change replaces serine, which is neutral and polar, with arginine, which is basic and polar, at codon 176 of the RNASEH2A protein (p.Ser176Arg). This variant is not present in population databases (gnomAD no frequency). This variant has not been reported in the literature in individuals affected with RNASEH2A-related conditions. ClinVar contains an entry for this variant (Variation ID: 1447585). Algorithms developed to predict the effect of missense changes on protein structure and function (SIFT, PolyPhen-2, Align-GVGD) all suggest that this variant is likely to be disruptive. In summary, the available evidence is currently insufficient to determine the role of this variant in disease. Therefore, it has been classified as a Variant of Uncertain Significance.